The following is an entry in ClinVar:

NM_000275.3(OCA2):c.2139+1G>T

Gene: OCA2 (OCA2 melanosomal transmembrane protein; minus strand). Cytogenetic location: 15q13.1.
Variant type: single nucleotide variant.
Coding change: c.2139+1G>T on transcript NM_000275.3 (MANE Select); the canonical splice donor site of the intron after coding-DNA position 2139, G replaced by T.
Molecular consequence: splice donor variant.
Genome position (GRCh38, 1-based): chr15:27,871,862, C>A on the plus strand (G>T on the coding strand, the complement: OCA2 is on the minus strand). VCF-style: chr15-27871862-C-A. GRCh37 (hg19) VCF-style: chr15-28117008-C-A.
Other names: c.2067+1G>T (NM_001300984.2).
Identifiers: ClinVar variation 3661597 (VCV003661597.2).

ClinVar aggregate classification (germline): Pathogenic (1 of 4 stars; one submission).

Submission:

Labcorp Genetics (formerly Invitae), Labcorp
Classification: Pathogenic. Last evaluated: 2024-09-09. Review status: criteria provided, single submitter. Criteria: Invitae Variant Classification Sherloc (09022015). Collection method: clinical testing. Allele origin: germline.
Comment: This sequence change affects a donor splice site in intron 20 of the OCA2 gene. It is expected to disrupt RNA splicing. Variants that disrupt the donor or acceptor splice site typically lead to a loss of protein function (PMID: 16199547), and loss-of-function variants in OCA2 are known to be pathogenic (PMID: 19865097, 21541274). This variant is not present in population databases (gnomAD no frequency). Disruption of this splice site has been observed in individual(s) with clinical features of oculocutaneous albinism (internal data). In at least one individual the data is consistent with being in trans (on the opposite chromosome) from a pathogenic variant. Algorithms developed to predict the effect of sequence changes on RNA splicing suggest that this variant may disrupt the consensus splice site. For these reasons, this variant has been classified as Pathogenic.

Literature cited by the submitters: PubMed 16199547; PubMed 19865097; PubMed 21541274.